The following is an entry in ClinVar:

NM_000531.6(OTC):c.240G>T (p.Lys80Asn)

Gene: OTC (ornithine transcarbamylase; plus strand). Cytogenetic location: Xp11.4.
Variant type: single nucleotide variant.
Coding change: c.240G>T on transcript NM_000531.6 (MANE Select); coding-DNA position 240, G replaced by T.
Protein change: p.Lys80Asn; replaces lysine 80 with asparagine.
Molecular consequence: missense variant.
Genome position (GRCh38, 1-based): chrX:38,369,819, G>T. VCF-style: chrX-38369819-G-T. GRCh37 (hg19) VCF-style: chrX-38229072-G-T.
Other names: short protein forms K80N.
Identifiers: ClinVar variation 97140 (VCV000097140.2), dbSNP rs72554333, ClinGen allele CA224512.

ClinVar aggregate classification (germline): Pathogenic (0 of 4 stars; one submission).

Submission:

GenMed Metabolism Lab
Classification: Pathogenic. Review status: no assertion criteria provided. Collection method: not provided. Allele origin: unknown.
Comment: p.Lys80Asn, Late
ClinVar note: Converted during submission from pathogenic to Pathogenic.